The following is an entry in ClinVar:

NM_002049.4(GATA1):c.988C>T (p.Pro330Ser)

Gene: GATA1 (GATA binding protein 1; plus strand). Cytogenetic location: Xp11.23.
Variant type: single nucleotide variant.
Coding change: c.988C>T on transcript NM_002049.4 (MANE Select); coding-DNA position 988, C replaced by T.
Protein change: p.Pro330Ser; replaces proline 330 with serine.
Molecular consequence: missense variant.
Genome position (GRCh38, 1-based): chrX:48,793,910, C>T. VCF-style: chrX-48793910-C-T. GRCh37 (hg19) VCF-style: chrX-48652317-C-T.
Other names: short protein forms P330S.
Identifiers: ClinVar variation 3344301 (VCV003344301.3).

ClinVar aggregate classification (germline): Uncertain significance. Review status: criteria provided, single submitter (1 of 4 stars). 2 submissions from 2 submitters: Uncertain significance (1). 1 of the submissions does not count toward it. Last evaluated 2024-09-23.

Conditions:
Diamond-Blackfan anemia. Also called: Blackfan Diamond syndrome; Aregenerative anemia chronic congenital; Red cell aplasia, pure hereditary; Congenital hypoplastic anemia; Aase syndrome. Identifiers: Orphanet 124, MedGen C1260899, MeSH D029503, MONDO:0015253, HP:0004810.
GATA binding protein 1 related thrombocytopenia with dyserythropoiesis. Also called: GATA1-Related Cytopenia; GATA1-Related X-Linked Cytopenia. Identifiers: MedGen C1845837, MONDO:0100089.
GATA1-related disorder. Also called: GATA1-related condition.

Submissions (2):

Labcorp Genetics (formerly Invitae), Labcorp
Classification: Uncertain significance for GATA binding protein 1 related thrombocytopenia with dyserythropoiesis; Diamond-Blackfan anemia. Last evaluated: 2024-09-23. Review status: criteria provided, single submitter. Criteria: Invitae Variant Classification Sherloc (09022015). Collection method: clinical testing. Allele origin: germline.
Comment: This sequence change replaces proline, which is neutral and non-polar, with serine, which is neutral and polar, at codon 330 of the GATA1 protein (p.Pro330Ser). This variant is present in population databases (no rsID available, gnomAD 0.02%). This variant has not been reported in the literature in individuals affected with GATA1-related conditions. Invitae Evidence Modeling of protein sequence and biophysical properties (such as structural, functional, and spatial information, amino acid conservation, physicochemical variation, residue mobility, and thermodynamic stability) indicates that this missense variant is not expected to disrupt GATA1 protein function with a negative predictive value of 80%. In summary, the available evidence is currently insufficient to determine the role of this variant in disease. Therefore, it has been classified as a Variant of Uncertain Significance.

PreventionGenetics, part of Exact Sciences
Classification: Uncertain significance for GATA1-related condition. Last evaluated: 2024-07-18. Review status: no assertion criteria provided. Collection method: clinical testing. Allele origin: germline. Not counted in ClinVar's aggregate classification.
Comment: The GATA1 c.988C>T variant is predicted to result in the amino acid substitution p.Pro330Ser. To our knowledge, this variant has not been reported in the literature. This variant is reported in 0.017% of alleles in individuals of African descent in gnomAD. At this time, the clinical significance of this variant is uncertain due to the absence of conclusive functional and genetic evidence.